The following is an entry in ClinVar:

ClinVar aggregate classification (germline): Uncertain significance (1 of 4 stars; one submission).

Conditions:
Combined oxidative phosphorylation defect type 11. Also called: Combined oxidative phosphorylation deficiency 11; ENCEPHALONEUROMYOPATHY, INFANTILE, DUE TO MITOCHONDRIAL TRANSLATION DEFECT. Identifiers: Orphanet 324535, MedGen C5190991, MONDO:0013969, OMIM 614922.

Submission:

Neuberg Centre For Genomic Medicine, NCGM
Classification: Uncertain significance for Combined oxidative phosphorylation defect type 11. Review status: criteria provided, single submitter. Criteria: ACMG Guidelines, 2015. Collection method: clinical testing. Allele origin: germline. Inheritance: Autosomal recessive inheritance. Affected: yes.
Comment: The missense variant in c.703G>A (p.Val235Met) in RMND1 gene has not been reported previously as a pathogenic variant nor as a benign variant, to our knowledge. The p.Val235Met variant is novel (not in any individuals) in gnomAD Exomes and 1000 Genomes. This variant has not been reported to the ClinVar database. The amino acid change p.Val235Met in RMND1 is predicted as conserved by GERP++ and PhyloP across 100 vertebrates. The amino acid Val at position 235 is changed to a Met changing protein sequence and it might alter its composition and physico-chemical properties. For these reasons, this variant has been classified as Uncertain Significance (VUS).

NM_017909.4(RMND1):c.703G>A (p.Val235Met)

Gene: RMND1 (required for meiotic nuclear division 1 homolog; minus strand). Cytogenetic location: 6q25.1.
Variant type: single nucleotide variant.
Coding change: c.703G>A on transcript NM_017909.4 (MANE Select); coding-DNA position 703, G replaced by A.
Protein change: p.Val235Met; replaces valine 235 with methionine.
Molecular consequence: missense variant.
Genome position (GRCh38, 1-based): chr6:151,430,164, C>T on the plus strand (G>A on the coding strand, the complement: RMND1 is on the minus strand). VCF-style: chr6-151430164-C-T. GRCh37 (hg19) VCF-style: chr6-151751299-C-T.
Other names: c.193G>A, p.Val65Met (NM_001271937.2); short protein forms V235M, V65M.
Identifiers: ClinVar variation 2585062 (VCV002585062.1), dbSNP rs2485923036, ClinGen allele CA366062482.
Genomic context (GRCh38, chr6:151,430,164, plus strand): 5'-ATTTTTATATTTTCACATTTTTATTTACACTTACAGTTTTGTCTTTCACATTCCAAAACA[C>T]AGCAGCTCCTTCCCTGATTTAAAAAAATAAAAGAAACAACTAAGATACAGATGGAATACA-3'
Protein context (NP_060379.2, residues 225-245): TIFFFREGAA[Val235Met]FWNVKDKTMK